The following is an entry in ClinVar:

NM_080680.3(COL11A2):c.4750+6T>G

Gene: COL11A2 (collagen type XI alpha 2 chain; minus strand). Cytogenetic location: 6p21.32.
Variant type: single nucleotide variant.
Coding change: c.4750+6T>G on transcript NM_080680.3 (MANE Select); 6 bases into the intron after coding-DNA position 4750, T replaced by G.
Molecular consequence: intron variant.
Genome position (GRCh38, 1-based): chr6:33,165,543, A>C on the plus strand (T>G on the coding strand, the complement: COL11A2 is on the minus strand). VCF-style: chr6-33165543-A-C. GRCh37 (hg19) VCF-style: chr6-33133320-A-C.
Other names: c.3724+6T>G (NM_001424111.1, NM_001424110.1); c.4429+6T>G (NM_080679.3); c.4492+6T>G (NM_080681.3); c.4570+6T>G (NM_001424108.1); c.3904+6T>G (NM_001424109.1); c.2704+6T>G (NM_001424112.1).
Identifiers: ClinVar variation 4728838 (VCV004728838.1).

ClinVar aggregate classification (germline): Uncertain significance (1 of 4 stars; one submission).

Submission:

Labcorp Genetics (formerly Invitae), Labcorp
Classification: Uncertain significance. Last evaluated: 2025-10-14. Review status: criteria provided, single submitter. Criteria: Invitae Variant Classification Sherloc (09022015). Collection method: clinical testing. Allele origin: germline.
Comment: This sequence change falls in intron 63 of the COL11A2 gene. It does not directly change the encoded amino acid sequence of the COL11A2 protein. It affects a nucleotide within the consensus splice site. This variant is not present in population databases (gnomAD no frequency). This variant has not been reported in the literature in individuals affected with COL11A2-related conditions. Variants that disrupt the consensus splice site are a relatively common cause of aberrant splicing (PMID: 17576681, 9536098). Algorithms developed to predict the effect of sequence changes on RNA splicing suggest that this variant may disrupt the consensus splice site. In summary, the available evidence is currently insufficient to determine the role of this variant in disease. Therefore, it has been classified as a Variant of Uncertain Significance.

Literature cited by the submitters: PubMed 17576681; PubMed 9536098.